The following is an entry in ClinVar:

NM_001375524.1(TRRAP):c.7500G>A (p.Lys2500=)

Gene: TRRAP (transformation/transcription domain associated protein; plus strand). Cytogenetic location: 7q22.1.
Variant type: single nucleotide variant.
Coding change: c.7500G>A on transcript NM_001375524.1 (MANE Select); coding-DNA position 7500, G replaced by A.
Protein change: p.Lys2500=; no amino-acid change (lysine 2500 retained).
Molecular consequence: synonymous variant.
Genome position (GRCh38, 1-based): chr7:98,967,686, G>A. VCF-style: chr7-98967686-G-A. GRCh37 (hg19) VCF-style: chr7-98565309-G-A.
Other names: c.7479G>A, p.Lys2493= (NM_001244580.2); c.7425G>A, p.Lys2475= (NM_003496.4); c.7425G>A (NM_003496.3).
Identifiers: ClinVar variation 2177942 (VCV002177942.5), dbSNP rs1248572610, ClinGen allele CA456665755.
Genomic context (GRCh38, chr7:98,967,686, plus strand): 5'-CTTGCTCTATGTGACCTGTTCGCAGAACTGGGAAGCCATGGGGAACCACTTCTGGATCAA[G>A]CAGTGCATTGAGGTAGGAAGACTCGGCTCACATCTGTGGCCGGGGGCAGCTGTGGGTTTT-3'
Protein context (NP_001362453.1, residues 2490-2510): WEAMGNHFWI[Lys2500=]QCIELLLAVC

ClinVar aggregate classification (germline): Likely benign. Review status: criteria provided, multiple submitters, no conflicts (2 of 4 stars). 2 submissions from 2 submitters: Likely benign (2). Last evaluated 2025-09-25.

Conditions:
TRRAP-related disorder. Also called: TRRAP-related condition.

Allele frequency attached by ClinVar (database versions not stated): TOPMed 0.00005; gnomAD 0.00001; gnomAD exomes 0.00001.
gnomAD v4.1: 6 of 1,613,588 alleles (0.00037%); highest among the groups gnomAD compares: Admixed American, 0.0033%; no homozygotes.

Submissions (2):

PreventionGenetics, part of Exact Sciences
Classification: Likely benign for TRRAP-related condition. Last evaluated: 2025-09-25. Review status: criteria provided, single submitter. Criteria: ACMG Guidelines, 2015. Collection method: clinical testing. Allele origin: germline.
Comment: This variant is classified as likely benign based on ACMG/AMP sequence variant interpretation guidelines (Richards et al. 2015 PMID: 25741868, with internal and published modifications).

Labcorp Genetics (formerly Invitae), Labcorp
Classification: Likely benign. Last evaluated: 2023-05-10. Review status: criteria provided, single submitter. Criteria: Invitae Variant Classification Sherloc (09022015). Collection method: clinical testing. Allele origin: germline.